The following is an entry in ClinVar:

NM_000179.3(MSH6):c.4048G>C (p.Val1350Leu)

Gene: MSH6 (mutS homolog 6; plus strand). Cytogenetic location: 2p16.3.
Variant type: single nucleotide variant.
Coding change: c.4048G>C on transcript NM_000179.3 (MANE Select); coding-DNA position 4048, G replaced by C.
Protein change: p.Val1350Leu; replaces valine 1350 with leucine.
Molecular consequence: missense variant.
Genome position (GRCh38, 1-based): chr2:47,806,825, G>C. VCF-style: chr2-47806825-G-C. GRCh37 (hg19) VCF-style: chr2-48033964-G-C.
Other names: c.3658G>C, p.Val1220Leu (NM_001281492.2); c.3142G>C, p.Val1048Leu (NM_001281493.2, NM_001281494.2); short protein forms V1350L, V1220L, V1048L.
Identifiers: ClinVar variation 490019 (VCV000490019.12), dbSNP rs772707858, ClinGen allele CA072830.

ClinVar aggregate classification (germline): Uncertain significance. Review status: criteria provided, multiple submitters, no conflicts (2 of 4 stars). 3 submissions from 3 submitters: Uncertain significance (3). Last evaluated 2024-10-29.

Conditions:
Hereditary nonpolyposis colorectal neoplasms. Identifiers: MedGen C0009405, MeSH D003123.
Hereditary cancer-predisposing syndrome. Also called: Hereditary Cancer Syndrome; Neoplastic Syndromes, Hereditary; Tumor predisposition; Hereditary neoplastic syndrome. Identifiers: Orphanet 140162, MedGen C0027672, MeSH D009386, MONDO:0015356.

Allele frequency attached by ClinVar (database versions not stated): gnomAD exomes below 0.00001; ExAC 0.00001.
gnomAD v4.1: 1 of 1,610,164 alleles (0.000062%); highest among the groups gnomAD compares: Non-Finnish European, 0.000085%; no homozygotes.

Submissions (3):

Ambry Genetics
Classification: Uncertain significance for Hereditary cancer-predisposing syndrome. Last evaluated: 2024-10-29. Review status: criteria provided, single submitter. Criteria: Ambry Variant Classification Scheme 2023. Collection method: clinical testing. Allele origin: germline.
Comment: The p.V1350L variant (also known as c.4048G>C), located in coding exon 10 of the MSH6 gene, results from a G to C substitution at nucleotide position 4048. The valine at codon 1350 is replaced by leucine, an amino acid with highly similar properties. This amino acid position is not well conserved in available vertebrate species. In addition, this alteration is predicted to be tolerated by in silico analysis. Based on the available evidence, the clinical significance of this variant remains unclear.

Color Diagnostics, LLC DBA Color Health
Classification: Uncertain significance for Hereditary cancer-predisposing syndrome. Last evaluated: 2023-12-05. Review status: criteria provided, single submitter. Criteria: ACMG Guidelines, 2015. Collection method: clinical testing. Allele origin: germline.
Comment: This missense variant replaces valine with leucine at codon 1350 of the MSH6 protein. Computational prediction suggests that this variant may not impact protein structure and function (internally defined REVEL score threshold <= 0.5, PMID: 27666373). To our knowledge, functional studies have not been reported for this variant. This variant has not been reported in individuals affected with MSH6-related disorders in the literature. This variant has been identified in 1/250944 chromosomes in the general population by the Genome Aggregation Database (gnomAD). The available evidence is insufficient to determine the role of this variant in disease conclusively. Therefore, this variant is classified as a Variant of Uncertain Significance.

Labcorp Genetics (formerly Invitae), Labcorp
Classification: Uncertain significance for Hereditary nonpolyposis colorectal neoplasms. Last evaluated: 2021-12-24. Review status: criteria provided, single submitter. Criteria: Invitae Variant Classification Sherloc (09022015). Collection method: clinical testing. Allele origin: germline.
Comment: In summary, the available evidence is currently insufficient to determine the role of this variant in disease. Therefore, it has been classified as a Variant of Uncertain Significance. Advanced modeling of protein sequence and biophysical properties (such as structural, functional, and spatial information, amino acid conservation, physicochemical variation, residue mobility, and thermodynamic stability) performed at Invitae indicates that this missense variant is not expected to disrupt MSH6 protein function. ClinVar contains an entry for this variant (Variation ID: 490019). This variant has not been reported in the literature in individuals affected with MSH6-related conditions. This variant is not present in population databases (gnomAD no frequency). This sequence change replaces valine, which is neutral and non-polar, with leucine, which is neutral and non-polar, at codon 1350 of the MSH6 protein (p.Val1350Leu).

Literature cited by the submitters: PubMed 34284872 (cited by Ambry Genetics).